The following is an entry in ClinVar:

ClinVar aggregate classification (germline): Uncertain significance. Review status: criteria provided, multiple submitters, no conflicts (2 of 4 stars). 2 submissions from 2 submitters: Uncertain significance (2). Last evaluated 2025-07-31.

Conditions:
Alzheimer disease type 1 (AD1). Also called: ALZHEIMER DISEASE, FAMILIAL, 1; ALZHEIMER DISEASE, FAMILIAL, 1, AUTOSOMAL RECESSIVE. Identifiers: MedGen C1863052, MONDO:0007088, OMIM 104300.

Allele frequency attached by ClinVar (database versions not stated): ExAC 0.00001; TOPMed 0.00001.
gnomAD v4.1: 8 of 1,613,182 alleles (0.0005%); highest among the groups gnomAD compares: Admixed American, 0.0017%; no homozygotes.

Submissions (2):

Victorian Clinical Genetics Services, Murdoch Childrens Research Institute
Classification: Uncertain significance for Alzheimer disease type 1. Last evaluated: 2025-07-31. Review status: criteria provided, single submitter. Criteria: ACMG Guidelines, 2015. Collection method: clinical testing. Allele origin: germline. Affected: yes.
Comment: This variant is classified as VUS-3B. Evidence in support of pathogenic classification: Variant is present in gnomAD <0.001 for a dominant condition (v4: 8 heterozygote(s), 0 homozygote(s)). Additional information: Variant is predicted to result in a missense amino acid change from Val to Ile; This variant is heterozygous; This gene is associated with autosomal dominant disease; Alternative amino acid change(s) at the same position are present in gnomAD (Highest allele count: v4: 3 heterozygote(s), 0 homozygote(s)); Previous evidence of pathogenicity for this variant is inconclusive. This variant has been classified as a VUS by a clinical laboratory in ClinVar, and reported in the literature in an individual with predominant upper motor neuron ALS (PMID: 33770234); No published evidence of segregation with disease has been identified for this variant; No published functional evidence has been identified for this variant; No comparable missense variants have previous evidence for pathogenicity; Variant is located in the annotated beta-amyloid precursor protein C-terminus domain (DECIPHER) - Missense variant with inconclusive in silico prediction and uninformative conservation. - Toxic gain of function is a known mechanism of disease in this gene and is associated with Alzheimer disease 1, familial (MIM#104300) (PMID: 24524897); The condition associated with this gene has incomplete penetrance. p.(Ala713Thr) has been reported to exhibit reduced penetrance (PMID: 28350801); Variants in this gene are known to have variable expressivity. Age of onset and disease progression can vary (PMIDs: 20301340, 24650794); Inheritance information for this variant is not currently available in this individual.

Women's Health and Genetics/Laboratory Corporation of America, LabCorp
Classification: Uncertain significance. Last evaluated: 2023-11-02. Review status: criteria provided, single submitter. Criteria: LabCorp Variant Classification Summary - May 2015. Collection method: clinical testing. Allele origin: germline.
Comment: Variant summary: APP c.2212G>A (p.Val738Ile) results in a conservative amino acid change in the encoded protein sequence altering the first nucleotide of exon 18 adjacent to the intron 17 splice acceptor site. Three of five in-silico tools predict a benign effect of the variant on protein function. Consensus agreement among computation tools predict no significant impact on normal splicing. However, these predictions have yet to be confirmed by functional studies. The variant allele was found at a frequency of 8e-06 in 251022 control chromosomes. The available data on variant occurrences in the general population are insufficient to allow any conclusion about variant significance. c.2212G>A has been reported in the literature in at least one individual affected with predominant-upper motor neuron (PUMN) sporadic amyotrophic lateral sclerosis (e.g. Bartoletti-Stella_2021). These report(s) do not provide unequivocal conclusions about association of the variant with Alzheimer Disease. To our knowledge, no experimental evidence demonstrating an impact on protein function has been reported. The following publication has been ascertained in the context of this evaluation (PMID: 33770234). No submitters have cited clinical-significance assessments for this variant to ClinVar after 2014. Based on the evidence outlined above, the variant was classified as uncertain significance.

Literature cited by the submitters: PubMed 33770234 (cited by Victorian Clinical Genetics Services, Murdoch Childrens Research Institute and Women's Health and Genetics/Laboratory Corporation of America, LabCorp); PubMed 20301340 (cited by Victorian Clinical Genetics Services, Murdoch Childrens Research Institute); PubMed 24524897 (cited by Victorian Clinical Genetics Services, Murdoch Childrens Research Institute); PubMed 24650794 (cited by Victorian Clinical Genetics Services, Murdoch Childrens Research Institute); PubMed 28350801 (cited by Victorian Clinical Genetics Services, Murdoch Childrens Research Institute).

NM_000484.4(APP):c.2212G>A (p.Val738Ile)

Gene: APP (amyloid beta precursor protein; minus strand). Cytogenetic location: 21q21.3.
Variant type: single nucleotide variant.
Coding change: c.2212G>A on transcript NM_000484.4 (MANE Select); coding-DNA position 2212, G replaced by A.
Protein change: p.Val738Ile; replaces valine 738 with isoleucine.
Molecular consequence: missense variant.
Genome position (GRCh38, 1-based): chr21:25,881,771, C>T on the plus strand (G>A on the coding strand, the complement: APP is on the minus strand). VCF-style: chr21-25881771-C-T. GRCh37 (hg19) VCF-style: chr21-27254082-C-T.
Other names: c.2140G>A, p.Val714Ile (NM_001136016.3); c.1819G>A, p.Val607Ile (NM_001136129.3); c.2044G>A, p.Val682Ile (NM_001136130.3, NM_001385253.1); c.1882G>A, p.Val628Ile (NM_001136131.3); c.2158G>A, p.Val720Ile (NM_001204301.2); c.2101G>A, p.Val701Ile (NM_001204302.2); c.1933G>A, p.Val645Ile (NM_001204303.2); c.2155G>A, p.Val719Ile (NM_201413.3); and 1 more; short protein forms V607I, V628I, V645I, V663I, V682I, V701I, V714I, V719I.
Identifiers: ClinVar variation 2682473 (VCV002682473.3), dbSNP rs756759593, ClinGen allele CA9987022.
Genomic context (GRCh38, chr21:25,881,771, plus strand): 5'-CGTAGCCGTTCTGCTGCATCTTGGACAGGTGGCGCTCCTCTGGGGTGACAGCGGCGTCAA[C>T]CTGAAAAACAAGAGGAGAGCTGAGTAAAAAATAAAAATCAATCTTTTAAGGGTGAACATG-3'
Protein context (NP_000475.1, residues 728-748): YTSIHHGVVE[Val738Ile]DAAVTPEERH